The following is an entry in ClinVar:

NM_001374828.1(ARID1B):c.3323C>T (p.Pro1108Leu)

Gene: ARID1B (AT-rich interaction domain 1B; plus strand). Cytogenetic location: 6q25.3.
Variant type: single nucleotide variant.
Coding change: c.3323C>T on transcript NM_001374828.1 (MANE Select); coding-DNA position 3323, C replaced by T.
Protein change: p.Pro1108Leu; replaces proline 1108 with leucine.
Molecular consequence: missense variant.
Genome position (GRCh38, 1-based): chr6:157,174,095, C>T. VCF-style: chr6-157174095-C-T. GRCh37 (hg19) VCF-style: chr6-157495229-C-T.
Other names: c.3074C>T, p.Pro1025Leu (NM_001346813.1); c.824C>T, p.Pro275Leu (NM_001363725.2); c.3362C>T, p.Pro1121Leu (NM_001371656.1, NM_001374820.1); c.3323C>T, p.Pro1108Leu (NM_017519.3); c.3113C>T, p.Pro1038Leu (NM_020732.3); c.2900C>T, p.Pro967Leu (NM_175863.2); short protein forms P1038L, P275L, P1025L, P1121L, P967L, P1108L.
Identifiers: ClinVar variation 2090204 (VCV002090204.4), dbSNP rs2538252179, ClinGen allele CA366224566.

ClinVar aggregate classification (germline): Uncertain significance (1 of 4 stars; one submission).

Allele frequency attached by ClinVar (database versions not stated): gnomAD exomes below 0.00001.

Submission:

Labcorp Genetics (formerly Invitae), Labcorp
Classification: Uncertain significance. Last evaluated: 2022-01-27. Review status: criteria provided, single submitter. Criteria: Invitae Variant Classification Sherloc (09022015). Collection method: clinical testing. Allele origin: germline.
Comment: This variant has not been reported in the literature in individuals affected with ARID1B-related conditions. In summary, the available evidence is currently insufficient to determine the role of this variant in disease. Therefore, it has been classified as a Variant of Uncertain Significance. Algorithms developed to predict the effect of missense changes on protein structure and function are either unavailable or do not agree on the potential impact of this missense change (SIFT: "Deleterious"; PolyPhen-2: "Benign"; Align-GVGD: "Class C0"). This variant is not present in population databases (gnomAD no frequency). This sequence change replaces proline, which is neutral and non-polar, with leucine, which is neutral and non-polar, at codon 1038 of the ARID1B protein (p.Pro1038Leu).